The following is an entry in ClinVar:

ClinVar aggregate classification (germline): Likely benign. Review status: criteria provided, multiple submitters, no conflicts (2 of 4 stars). 5 submissions from 5 submitters: Likely benign (4). 1 of the submissions does not count toward it. Last evaluated 2025-11-24.

Conditions:
Floating-Harbor syndrome (FLHS). Also called: SRCAP-Related Floating-Harbor Syndrome; Short stature with delayed bone age, expressive language delay, a triangular face with a prominent nose and deep-set eyes; Pelletier-Leisti syndrome. Identifiers: Orphanet 2044, MedGen C0729582, MONDO:0007621, OMIM 136140.
Developmental delay, hypotonia, musculoskeletal defects, and behavioral abnormalities. Identifiers: MedGen C5562012, MONDO:0859202, OMIM 619595.
SRCAP-related disorder. Also called: SRCAP-related condition.

Allele frequency attached by ClinVar (database versions not stated): ESP Exome Variant Server 0.00015; TOPMed 0.00026; gnomAD exomes 0.00029 and 0.00034; gnomAD 0.00030 and 0.00031; ExAC 0.00035.
gnomAD v4.1: 530 of 1,613,996 alleles (0.033%); highest among the groups gnomAD compares: Non-Finnish European, 0.041%; 1 homozygote.

Submissions (5):

Labcorp Genetics (formerly Invitae), Labcorp
Classification: Likely benign. Last evaluated: 2025-11-24. Review status: criteria provided, single submitter. Criteria: Invitae Variant Classification Sherloc (09022015). Collection method: clinical testing. Allele origin: germline.

CeGaT Center for Human Genetics Tuebingen
Classification: Likely benign. Last evaluated: 2025-04-01. Review status: criteria provided, single submitter. Criteria: CeGaT Center For Human Genetics Tuebingen Variant Classification Criteria Version 2. Collection method: clinical testing. Allele origin: germline. Affected: yes. Observed: 5 variant alleles.
Comment: SRCAP: BP4, BP7

Blueprint Genetics
Classification: Likely benign. Last evaluated: 2024-11-14. Review status: criteria provided, single submitter. Criteria: ACMG Guidelines, 2015. Collection method: clinical testing. Allele origin: germline.

Fulgent Genetics
Classification: Likely benign for Floating-Harbor syndrome; Developmental delay, hypotonia, musculoskeletal defects, and behavioral abnormalities. Last evaluated: 2021-10-01. Review status: criteria provided, single submitter. Criteria: ACMG Guidelines, 2015. Collection method: clinical testing. Allele origin: unknown.

PreventionGenetics, part of Exact Sciences
Classification: Likely benign for SRCAP-related condition. Last evaluated: 2019-04-25. Review status: no assertion criteria provided. Collection method: clinical testing. Allele origin: germline. Not counted in ClinVar's aggregate classification.
Comment: This variant is classified as likely benign based on ACMG/AMP sequence variant interpretation guidelines (Richards et al. 2015 PMID: 25741868, with internal and published modifications).

NM_006662.3(SRCAP):c.6501C>T (p.Ile2167=)

Gene: SRCAP (Snf2 related CREBBP activator protein; plus strand). Cytogenetic location: 16p11.2.
Variant type: single nucleotide variant.
Coding change: c.6501C>T on transcript NM_006662.3 (MANE Select); coding-DNA position 6501, C replaced by T.
Protein change: p.Ile2167=; no amino-acid change (isoleucine 2167 retained).
Molecular consequence: synonymous variant.
Genome position (GRCh38, 1-based): chr16:30,733,900, C>T. VCF-style: chr16-30733900-C-T. GRCh37 (hg19) VCF-style: chr16-30745221-C-T.
Identifiers: ClinVar variation 715636 (VCV000715636.44), dbSNP rs202092944, ClinGen allele CA8012256.